The following is an entry in ClinVar:

NM_001145809.2(MYH14):c.371A>G (p.Asn124Ser)

Gene: MYH14 (myosin heavy chain 14; plus strand). Cytogenetic location: 19q13.33.
Variant type: single nucleotide variant.
Coding change: c.371A>G on transcript NM_001145809.2 (MANE Select); coding-DNA position 371, A replaced by G.
Protein change: p.Asn124Ser; replaces asparagine 124 with serine.
Molecular consequence: missense variant.
Genome position (GRCh38, 1-based): chr19:50,210,736, A>G. VCF-style: chr19-50210736-A-G. GRCh37 (hg19) VCF-style: chr19-50713993-A-G.
Other names: c.371A>G, p.Asn124Ser (NM_001077186.2, NM_024729.4); short protein forms N124S.
Identifiers: ClinVar variation 1201171 (VCV001201171.5), dbSNP rs1225260984, ClinGen allele CA406946729.
Genomic context (GRCh38, chr19:50,210,736, plus strand): 5'-TCAGCAAGGCCGAGGACATGGCCGAGCTGACCTGCCTCAACGAGGCCTCGGTCCTGCACA[A>G]CCTCCGGGAGCGGTACTACTCCGGCCTCATCTACGTGAGTGGGCTCCTGCTGGGGGGCGC-3'
Protein context (NP_001139281.1, residues 114-134): TCLNEASVLH[Asn124Ser]LRERYYSGLI

ClinVar aggregate classification (germline): Uncertain significance (1 of 4 stars; one submission).

Submission:

GeneDx
Classification: Uncertain significance. Last evaluated: 2021-11-08. Review status: criteria provided, single submitter. Criteria: GeneDx Variant Classification Process June 2021. Collection method: clinical testing. Allele origin: germline. Affected: yes.
Comment: In silico analysis, which includes protein predictors and evolutionary conservation, supports a deleterious effect; No data available from control populations to assess the frequency of this variant; Has not been previously published as pathogenic or benign to our knowledge